The following is an entry in ClinVar:

NM_000152.5(GAA):c.511G>C (p.Val171Leu)

Gene: GAA (alpha glucosidase; plus strand). Cytogenetic location: 17q25.3.
Variant type: single nucleotide variant.
Coding change: c.511G>C on transcript NM_000152.5 (MANE Select); coding-DNA position 511, G replaced by C.
Protein change: p.Val171Leu; replaces valine 171 with leucine.
Molecular consequence: missense variant.
Genome position (GRCh38, 1-based): chr17:80,105,097, G>C. VCF-style: chr17-80105097-G-C. GRCh37 (hg19) VCF-style: chr17-78078896-G-C.
Other names: c.511G>C, p.Val171Leu (NM_001079803.3, NM_001079804.3, NM_001406741.1 and 1 more transcripts); short protein forms V171L.
Identifiers: ClinVar variation 1745469 (VCV001745469.2), dbSNP rs886053543, ClinGen allele CA401361709.

ClinVar aggregate classification (germline): Uncertain significance (1 of 4 stars; one submission).

Conditions:
Cardiovascular phenotype. Identifiers: MedGen CN230736.

gnomAD v4.1: 2 of 1,611,338 alleles (0.00012%); highest among the groups gnomAD compares: Non-Finnish European, 0.000085%; no homozygotes.

Submission:

Ambry Genetics
Classification: Uncertain significance for Cardiovascular phenotype. Last evaluated: 2021-08-14. Review status: criteria provided, single submitter. Criteria: Ambry Variant Classification Scheme 2023. Collection method: clinical testing. Allele origin: germline.
Comment: The p.V171L variant (also known as c.511G>C), located in coding exon 1 of the GAA gene, results from a G to C substitution at nucleotide position 511. The valine at codon 171 is replaced by leucine, an amino acid with highly similar properties. This amino acid position is conserved. In addition, the in silico prediction for this alteration is inconclusive. Since supporting evidence is limited at this time, the clinical significance of this alteration remains unclear.